The following is an entry in ClinVar:

ClinVar aggregate classification (germline): Uncertain significance (1 of 4 stars; one submission).

gnomAD v4.1: 1 of 1,614,202 alleles (0.000062%); highest among the groups gnomAD compares: Non-Finnish European, 0.000085%; no homozygotes.

Submission:

CeGaT Center for Human Genetics Tuebingen
Classification: Uncertain significance. Last evaluated: 2022-05-01. Review status: criteria provided, single submitter. Criteria: CeGaT Center For Human Genetics Tuebingen Variant Classification Criteria Version 2. Collection method: clinical testing. Allele origin: germline. Affected: yes. Observed: 1 variant allele.
Comment: SYNE1: PM2, BP4

NM_182961.4(SYNE1):c.3584C>A (p.Ser1195Tyr)

Gene: SYNE1 (spectrin repeat containing nuclear envelope protein 1; minus strand). Cytogenetic location: 6q25.2.
Variant type: single nucleotide variant.
Coding change: c.3584C>A on transcript NM_182961.4 (MANE Select); coding-DNA position 3584, C replaced by A.
Protein change: p.Ser1195Tyr; replaces serine 1195 with tyrosine.
Molecular consequence: missense variant.
Genome position (GRCh38, 1-based): chr6:152,447,543, G>T on the plus strand (C>A on the coding strand, the complement: SYNE1 is on the minus strand). VCF-style: chr6-152447543-G-T. GRCh37 (hg19) VCF-style: chr6-152768678-G-T.
Other names: c.3605C>A, p.Ser1202Tyr (NM_033071.5); short protein forms S1195Y, S1202Y.
Identifiers: ClinVar variation 2657032 (VCV002657032.24), dbSNP rs2500824612, ClinGen allele CA366148391.
Genomic context (GRCh38, chr6:152,447,543, plus strand): 5'-TTGAAAGAGCTGGATAATTTTGCCAGCTCATCTCCCTGCTTTTGGGCTTCATTCTCAGAA[G>T]AAACTTCTGTCAAAACTTTCAGCCTGGATTTCAGCCAGCTGAGGGTCTCACCCCTTTTGG-3'
Protein context (NP_892006.3, residues 1185-1205): KSRLKVLTEV[Ser1195Tyr]SENEAQKQGD